The following is an entry in ClinVar:

ClinVar aggregate classification (germline): Pathogenic (1 of 4 stars; one submission).

Conditions:
Familial cancer of breast. Also called: Hereditary breast cancer; BREAST CANCER, FAMILIAL; hereditary breast carcinoma. Identifiers: Orphanet 227535, MedGen C0346153, MONDO:0016419, OMIM 114480. Disease mechanism: loss of function.

Submission:

Myriad Genetics, Inc.
Classification: Pathogenic for Familial cancer of breast. Last evaluated: 2023-06-23. Review status: criteria provided, single submitter. Criteria: Myriad Autosomal Dominant, Autosomal Recessive and X-Linked Classification Criteria (2023). Collection method: clinical testing. Allele origin: unknown.
Comment: This variant is considered pathogenic. This variant creates a frameshift predicted to result in premature protein truncation.

NM_007194.4(CHEK2):c.472del (p.Ala158fs)

Gene: CHEK2 (checkpoint kinase 2; minus strand). Cytogenetic location: 22q12.1.
Variant type: Deletion.
Coding change: c.472del on transcript NM_007194.4 (MANE Select); coding-DNA position 472, one base deleted (G; older notation c.472delG).
Protein change: p.Ala158fs; shifts the reading frame from alanine 158.
Molecular consequence: frameshift variant. On other transcripts: 5 prime UTR variant (2), intron variant (1).
Genome position (GRCh38, 1-based): chr22:28,725,097, C deleted on the plus strand (G on the coding strand, the reverse complement: CHEK2 is on the minus strand). VCF-style (leftmost placement, unchanged base first): chr22-28725096-GC-G. GRCh37 (hg19) VCF-style: chr22-29121084-GC-G.
Other names: c.601del, p.Ala201fs (NM_001005735.3, NM_001438294.1); c.-306del (NM_001257387.3); c.-192del (NM_001437942.1); c.565del, p.Ala189fs (NM_001438293.1, NM_001438295.1); c.472del, p.Ala158fs (NM_145862.3); c.444+146del (NM_001349956.3); short protein forms A158fs, A201fs, A189fs.
Identifiers: ClinVar variation 2583538 (VCV002583538.2), dbSNP rs2518054239, ClinGen allele CA2582342791.